The following is an entry in ClinVar:

NM_004366.6(CLCN2):c.736G>A (p.Val246Met)

Gene: CLCN2 (chloride voltage-gated channel 2; minus strand). Cytogenetic location: 3q27.1.
Variant type: single nucleotide variant.
Coding change: c.736G>A on transcript NM_004366.6 (MANE Select); coding-DNA position 736, G replaced by A.
Protein change: p.Val246Met; replaces valine 246 with methionine.
Molecular consequence: missense variant.
Genome position (GRCh38, 1-based): chr3:184,357,656, C>T on the plus strand (G>A on the coding strand, the complement: CLCN2 is on the minus strand). VCF-style: chr3-184357656-C-T. GRCh37 (hg19) VCF-style: chr3-184075444-C-T.
Other names: c.736G>A, p.Val246Met (NM_001171087.3, NM_001171089.3); c.604G>A, p.Val202Met (NM_001171088.3); short protein forms V202M, V246M.
Identifiers: ClinVar variation 2188666 (VCV002188666.4), dbSNP rs41266269, ClinGen allele CA2734381.

ClinVar aggregate classification (germline): Uncertain significance (1 of 4 stars; one submission).

Allele frequency attached by ClinVar (database versions not stated): ExAC 0.00001; TOPMed 0.00001; gnomAD 0.00002; 1000 Genomes Project 30x 0.00016; 1000 Genomes Project 0.00020.
gnomAD v4.1: 17 of 1,613,958 alleles (0.0011%); highest among the groups gnomAD compares: Middle Eastern, 0.016%; no homozygotes.

Submission:

Labcorp Genetics (formerly Invitae), Labcorp
Classification: Uncertain significance. Last evaluated: 2021-12-19. Review status: criteria provided, single submitter. Criteria: Invitae Variant Classification Sherloc (09022015). Collection method: clinical testing. Allele origin: germline.
Comment: In summary, the available evidence is currently insufficient to determine the role of this variant in disease. Therefore, it has been classified as a Variant of Uncertain Significance. Advanced modeling of protein sequence and biophysical properties (such as structural, functional, and spatial information, amino acid conservation, physicochemical variation, residue mobility, and thermodynamic stability) performed at Invitae indicates that this missense variant is expected to disrupt CLCN2 protein function. This variant has not been reported in the literature in individuals affected with CLCN2-related conditions. This variant is present in population databases (rs41266269, gnomAD 0.0009%). This sequence change replaces valine, which is neutral and non-polar, with methionine, which is neutral and non-polar, at codon 246 of the CLCN2 protein (p.Val246Met).